The following is an entry in ClinVar:

NM_080425.4(GNAS):c.1164G>T (p.Ala388=)

Gene: GNAS (GNAS complex locus; plus strand). Cytogenetic location: 20q13.32.
Variant type: single nucleotide variant.
Coding change: c.1164G>T on transcript NM_080425.4 (MANE Plus Clinical); coding-DNA position 1164, G replaced by T.
Protein change: p.Ala388=; no amino-acid change (alanine 388 retained).
Molecular consequence: synonymous variant. On other transcripts: missense variant (2), intron variant (3), genic upstream transcript variant (1).
Genome position (GRCh38, 1-based): chr20:58,854,429, G>T. VCF-style: chr20-58854429-G-T. GRCh37 (hg19) VCF-style: chr20-57429484-G-T.
Other names: c.977G>T, p.Arg326Leu (NM_001077490.3, NM_001309883.1); c.1164G>T, p.Ala388= (NM_001410913.1); c.*42+13543G>T (NM_016592.5); c.43+13543G>T (NM_001410912.1); c.-39+12554G>T (NM_001309861.2); c.-37298G>T (NM_000516.7); short protein forms R326L.
Identifiers: ClinVar variation 3251288 (VCV003251288.1), dbSNP rs746212874.

ClinVar aggregate classification (germline): Uncertain significance (1 of 4 stars; one submission).

Submission:

Women's Health and Genetics/Laboratory Corporation of America, LabCorp
Classification: Uncertain significance. Last evaluated: 2024-04-15. Review status: criteria provided, single submitter. Criteria: LabCorp Variant Classification Summary - May 2015. Collection method: clinical testing. Allele origin: germline.
Comment: Variant summary: GNAS c.-37298G>T is located in the untranscribed region upstream of the GNAS gene region in NM_000516. Consensus agreement among computation tools predict no significant impact on normal splicing. However, these predictions have yet to be confirmed by functional studies. Additionally, in transcript NM_080425.4 this variant results in a synonymous change (p.A388A) as a result of c.1164G>T. The variant was absent in 178488 control chromosomes. The available data on variant occurrences in the general population are insufficient to allow any conclusion about variant significance. To our knowledge, no occurrence of c.-37298G>T in individuals affected with GNAS-Related Disorders and no experimental evidence demonstrating its impact on protein function have been reported. No submitters have cited clinical-significance assessments for this variant to ClinVar. Based on the evidence outlined above, the variant was classified as uncertain significance.